The following is an entry in ClinVar:

ClinVar aggregate classification (germline): Uncertain significance (1 of 4 stars; one submission).

Submission:

GeneDx
Classification: Uncertain significance. Last evaluated: 2024-12-03. Review status: criteria provided, single submitter. Criteria: GeneDx Variant Classification Process June 2021. Collection method: clinical testing. Allele origin: germline. Affected: yes.
Comment: Not observed at significant frequency in large population cohorts (gnomAD); In silico analysis indicates that this missense variant does not alter protein structure/function; Has not been previously published as pathogenic or benign to our knowledge

NM_001349798.2(FBXW7):c.389A>G (p.Asp130Gly)

Gene: FBXW7 (F-box and WD repeat domain containing 7; minus strand). Cytogenetic location: 4q31.3.
Variant type: single nucleotide variant.
Coding change: c.389A>G on transcript NM_001349798.2 (MANE Select); coding-DNA position 389, A replaced by G.
Protein change: p.Asp130Gly; replaces aspartic acid 130 with glycine.
Molecular consequence: missense variant.
Genome position (GRCh38, 1-based): chr4:152,411,415, T>C on the plus strand (A>G on the coding strand, the complement: FBXW7 is on the minus strand). VCF-style: chr4-152411415-T-C. GRCh37 (hg19) VCF-style: chr4-153332567-T-C.
Other names: c.389A>G, p.Asp130Gly (NM_001257069.1, NM_033632.3); short protein forms D130G.
Identifiers: ClinVar variation 3901605 (VCV003901605.1).